The following is an entry in ClinVar:

ClinVar aggregate classification (germline): Likely benign (1 of 4 stars; one submission).

Conditions:
PKD1-related disorder. Also called: PKD1-related condition.

Submission:

PreventionGenetics, part of Exact Sciences
Classification: Likely benign for PKD1-related condition. Last evaluated: 2025-09-15. Review status: criteria provided, single submitter. Criteria: ACMG Guidelines, 2015. Collection method: clinical testing. Allele origin: germline.
Comment: This variant is classified as likely benign based on ACMG/AMP sequence variant interpretation guidelines (Richards et al. 2015 PMID: 25741868, with internal and published modifications).

NM_001009944.3(PKD1):c.8792-16G>T

Gene: PKD1 (polycystin 1, transient receptor potential channel interacting; minus strand). Cytogenetic location: 16p13.3.
Variant type: single nucleotide variant.
Coding change: c.8792-16G>T on transcript NM_001009944.3 (MANE Select); 16 bases into the intron before coding-DNA position 8792, G replaced by T.
Molecular consequence: intron variant.
Genome position (GRCh38, 1-based): chr16:2,102,986, C>A on the plus strand (G>T on the coding strand, the complement: PKD1 is on the minus strand). VCF-style: chr16-2102986-C-A. GRCh37 (hg19) VCF-style: chr16-2152987-C-A.
Other names: c.8792-16G>T (NM_000296.4).
Identifiers: ClinVar variation 4993414 (VCV004993414.1).